The following is an entry in ClinVar:

NM_032383.5(HPS3):c.1403C>T (p.Ser468Leu)

Gene: HPS3 (HPS3 biogenesis of lysosomal organelles complex 2 subunit 1; plus strand). Cytogenetic location: 3q24.
Variant type: single nucleotide variant.
Coding change: c.1403C>T on transcript NM_032383.5 (MANE Select); coding-DNA position 1403, C replaced by T.
Protein change: p.Ser468Leu; replaces serine 468 with leucine.
Molecular consequence: missense variant.
Genome position (GRCh38, 1-based): chr3:149,155,109, C>T. VCF-style: chr3-149155109-C-T. GRCh37 (hg19) VCF-style: chr3-148872896-C-T.
Other names: c.908C>T, p.Ser303Leu (NM_001308258.2); short protein forms S303L, S468L.
Identifiers: ClinVar variation 765915 (VCV000765915.18), dbSNP rs371551313, ClinGen allele CA2660092.

ClinVar aggregate classification (germline): Conflicting classifications of pathogenicity. Review status: criteria provided, conflicting classifications (1 of 4 stars). 5 submissions from 5 submitters: Uncertain significance (1); Likely benign (2). 2 of the submissions do not count toward it. Last evaluated 2026-01-21.

Conditions:
HPS3-related disorder. Also called: HPS3-related condition.
Hermansky-Pudlak syndrome (HPS). Also called: ALBINISM WITH HEMORRHAGIC DIATHESIS AND PIGMENTED RETICULOENDOTHELIAL CELLS. Identifiers: Orphanet 79430, MedGen C0079504, MONDO:0019312.
Hermansky-Pudlak syndrome 3 (HPS3). Identifiers: Orphanet 231512, Orphanet 79430, MedGen C3888001, MONDO:0013555, OMIM 614072.

Allele frequency attached by ClinVar (database versions not stated): TOPMed 0.00004; ESP Exome Variant Server 0.00008; 1000 Genomes Project 30x 0.00016; 1000 Genomes Project 0.00020; ExAC 0.00026; gnomAD exomes 0.00026.
gnomAD v4.1: 204 of 1,570,338 alleles (0.013%); highest among the groups gnomAD compares: South Asian, 0.15%; 3 homozygotes.

Submissions (5):

Labcorp Genetics (formerly Invitae), Labcorp
Classification: Likely benign. Last evaluated: 2026-01-21. Review status: criteria provided, single submitter. Criteria: Invitae Variant Classification Sherloc (09022015). Collection method: clinical testing. Allele origin: germline.

Women's Health and Genetics/Laboratory Corporation of America, LabCorp
Classification: Likely benign. Last evaluated: 2025-09-15. Review status: criteria provided, single submitter. Criteria: LabCorp Variant Classification Summary - May 2015. Collection method: clinical testing. Allele origin: germline.
Comment: Variant summary: HPS3 c.1403C>T (p.Ser468Leu) results in a non-conservative amino acid change in the encoded protein sequence. Algorithms developed to predict the effect of missense changes on protein structure and function are either unavailable or do not agree on the potential impact of this missense change. Consensus agreement among computation tools predict no significant impact on normal splicing. However, these predictions have yet to be confirmed by functional studies. The variant allele was found at a frequency of 0.00026 in 250910 control chromosomes, predominantly at a frequency of 0.0017 within the South Asian subpopulation in the gnomAD database, including 3 homozygotes. The observed variant frequency within South Asian control individuals in the gnomAD database exceeds the estimated maximal expected allele frequency for disease-causing variants in HPS3. To our knowledge, no occurrence of c.1403C>T in individuals affected with HPS3-related conditions and no experimental evidence demonstrating its impact on protein function have been reported. ClinVar contains an entry for this variant (Variation ID: 765915). Based on the evidence outlined above, the variant was classified as likely benign.

Illumina Laboratory Services, Illumina
Classification: Uncertain significance for Hermansky-Pudlak syndrome 3. Last evaluated: 2018-02-02. Review status: criteria provided, single submitter. Criteria: ICSL Variant Classification Criteria 13 December 2019. Collection method: clinical testing. Allele origin: germline.

PreventionGenetics, part of Exact Sciences
Classification: Likely benign for HPS3-related condition. Last evaluated: 2022-10-07. Review status: no assertion criteria provided. Collection method: clinical testing. Allele origin: germline. Not counted in ClinVar's aggregate classification.
Comment: This variant is classified as likely benign based on ACMG/AMP sequence variant interpretation guidelines (Richards et al. 2015 PMID: 25741868, with internal and published modifications).

Natera, Inc.
Classification: Uncertain significance for Hermansky-Pudlak syndrome. Last evaluated: 2020-03-10. Review status: no assertion criteria provided. Collection method: clinical testing. Allele origin: germline. Not counted in ClinVar's aggregate classification.